The following is an entry in ClinVar:

NM_130849.4(SLC39A4):c.1308C>A (p.Cys436Ter)

Gene: SLC39A4 (solute carrier family 39 member 4; minus strand). Cytogenetic location: 8q24.3.
Variant type: single nucleotide variant.
Coding change: c.1308C>A on transcript NM_130849.4 (MANE Select); coding-DNA position 1308, C replaced by A.
Protein change: p.Cys436Ter; replaces cysteine 436 with a stop codon.
Molecular consequence: nonsense.
Genome position (GRCh38, 1-based): chr8:144,413,861, G>T on the plus strand (C>A on the coding strand, the complement: SLC39A4 is on the minus strand). VCF-style: chr8-144413861-G-T. GRCh37 (hg19) VCF-style: chr8-145639245-G-T.
Other names: c.1026C>A, p.Cys342Ter (NM_001374839.1); c.1233C>A, p.Cys411Ter (NM_017767.3); short protein forms C342*, C411*, C436*.
Identifiers: ClinVar variation 1068496 (VCV001068496.5), dbSNP rs782241064, ClinGen allele CA4941277.
Genomic context (GRCh38, chr8:144,413,861, plus strand): 5'-GGGTGCCAGCTGCAGGGACACACCGTGGCTGTGGCCCCCGTGGCTATGGCTGCTGTGGCC[G>T]CAGGGCCCGTCCTCCAGGTCCTGTGAGGGTAGGTGCTCAGTGTCCACCAGGCCCCCAGCA-3'

ClinVar aggregate classification (germline): Pathogenic (1 of 4 stars; one submission).

gnomAD v4.1: 24 of 1,601,074 alleles (0.0015%); highest among the groups gnomAD compares: Non-Finnish European, 0.002%; no homozygotes.

Submission:

Labcorp Genetics (formerly Invitae), Labcorp
Classification: Pathogenic. Last evaluated: 2024-01-28. Review status: criteria provided, single submitter. Criteria: Invitae Variant Classification Sherloc (09022015). Collection method: clinical testing. Allele origin: germline.
Comment: This sequence change creates a premature translational stop signal (p.Cys436*) in the SLC39A4 gene. It is expected to result in an absent or disrupted protein product. Loss-of-function variants in SLC39A4 are known to be pathogenic (PMID: 12955721). The frequency data for this variant in the population databases is considered unreliable, as metrics indicate poor data quality at this position in the gnomAD database. This variant has not been reported in the literature in individuals affected with SLC39A4-related conditions. ClinVar contains an entry for this variant (Variation ID: 1068496). Algorithms developed to predict the effect of sequence changes on RNA splicing suggest that this variant may create or strengthen a splice site. For these reasons, this variant has been classified as Pathogenic.

Literature cited by the submitters: PubMed 12955721.